The following is an entry in ClinVar:

NM_182961.4(SYNE1):c.10598G>A (p.Arg3533His)

Gene: SYNE1 (spectrin repeat containing nuclear envelope protein 1; minus strand). Cytogenetic location: 6q25.2.
Variant type: single nucleotide variant.
Coding change: c.10598G>A on transcript NM_182961.4 (MANE Select); coding-DNA position 10598, G replaced by A.
Protein change: p.Arg3533His; replaces arginine 3533 with histidine.
Molecular consequence: missense variant.
Genome position (GRCh38, 1-based): chr6:152,358,383, C>T on the plus strand (G>A on the coding strand, the complement: SYNE1 is on the minus strand). VCF-style: chr6-152358383-C-T. GRCh37 (hg19) VCF-style: chr6-152679518-C-T.
Other names: c.10619G>A, p.Arg3540His (NM_033071.5); short protein forms R3533H, R3540H.
Identifiers: ClinVar variation 130391 (VCV000130391.33), dbSNP rs145911138, ClinGen allele CA155325.

ClinVar aggregate classification (germline): Benign. Review status: criteria provided, multiple submitters, no conflicts (2 of 4 stars). 12 submissions from 11 submitters: Benign (7). 5 of the submissions do not count toward it. Last evaluated 2026-02-02.

Conditions:
Emery-Dreifuss muscular dystrophy 4, autosomal dominant (EDMD4). Also called: EMERY-DREIFUSS MUSCULAR DYSTROPHY 4 WITH VARIABLE FEATURES. Identifiers: Orphanet 261, MedGen C2751807, MONDO:0013071, OMIM 612998.
Autosomal recessive ataxia, Beauce type. Also called: SYNE1-Related Autosomal Recessive Cerebellar Ataxia; ATAXIA, RECESSIVE, OF BEAUCE; Spinocerebellar ataxia, autosomal recessive 8; SYNE1 Deficiency. Identifiers: Orphanet 88644, MedGen C1853116, MONDO:0012549, OMIM 610743.

Allele frequency attached by ClinVar (database versions not stated): 1000 Genomes Project 0.00719; TOPMed 0.01144; gnomAD 0.01187 and 0.01237; gnomAD exomes 0.01247 and 0.01785; 1000 Genomes Project 30x 0.00656; ESP Exome Variant Server 0.01507; ExAC 0.01183.

Submissions (12):

Labcorp Genetics (formerly Invitae), Labcorp
Classification: Benign for Emery-Dreifuss muscular dystrophy 4, autosomal dominant; Autosomal recessive ataxia, Beauce type. Last evaluated: 2026-02-02. Review status: criteria provided, single submitter. Criteria: Invitae Variant Classification Sherloc (09022015). Collection method: clinical testing. Allele origin: germline.

ARUP Laboratories, Molecular Genetics and Genomics, ARUP Laboratories
Classification: Benign. Last evaluated: 2023-08-21. Review status: criteria provided, single submitter. Criteria: ARUP Molecular Germline Variant Investigation Process 2024. Collection method: clinical testing. Allele origin: germline.

Athena Diagnostics
Classification: Benign. Last evaluated: 2019-07-08. Review status: criteria provided, single submitter. Criteria: Athena Diagnostics Criteria. Collection method: clinical testing. Allele origin: germline.

Mayo Clinic Laboratories, Mayo Clinic
Classification: Benign. Last evaluated: 2018-03-23. Review status: criteria provided, single submitter. Criteria: ACMG Guidelines, 2015. Collection method: clinical testing. Allele origin: germline. Observed: 36 variant alleles.

Illumina Laboratory Services, Illumina
Classification: Benign for Autosomal recessive ataxia, Beauce type. Last evaluated: 2018-01-12. Review status: criteria provided, single submitter. Criteria: ICSL Variant Classification Criteria 13 December 2019. Collection method: clinical testing. Allele origin: germline.
Comment: This variant was observed in the ICSL laboratory as part of a predisposition screen in an ostensibly healthy population. It had not been previously curated by ICSL or reported in the Human Gene Mutation Database (HGMD: prior to June 1st, 2018), and was therefore a candidate for classification through an automated scoring system. Utilizing variant allele frequency, disease prevalence and penetrance estimates, and inheritance mode, an automated score was calculated to assess if this variant is too frequent to cause the disease. Based on the score and internal cut-off values, a variant classified as benign is not then subjected to further curation. The score for this variant resulted in a classification of benign for this disease.

Illumina Laboratory Services, Illumina
Classification: Benign for Emery-Dreifuss muscular dystrophy 4, autosomal dominant. Last evaluated: 2018-01-12. Review status: criteria provided, single submitter. Criteria: ICSL Variant Classification Criteria 13 December 2019. Collection method: clinical testing. Allele origin: germline.
Comment: the same text as in the submission from Illumina Laboratory Services, Illumina above.

GeneDx
Classification: Benign. Last evaluated: 2016-05-19. Review status: criteria provided, single submitter. Criteria: GeneDx Variant Classification (06012015). Collection method: clinical testing. Allele origin: germline. Affected: yes.
Comment: This variant is considered likely benign or benign based on one or more of the following criteria: it is a conservative change, it occurs at a poorly conserved position in the protein, it is predicted to be benign by multiple in silico algorithms, and/or has population frequency not consistent with disease.

Clinical Genetics DNA and cytogenetics Diagnostics Lab, Erasmus MC, Erasmus Medical Center
Classification: Likely benign. Review status: no assertion criteria provided. Collection method: clinical testing. Allele origin: germline. Affected: yes. Study: VKGL Data-share Consensus. Not counted in ClinVar's aggregate classification.

Clinical Genetics, Academic Medical Center
Classification: Likely benign. Review status: no assertion criteria provided. Collection method: clinical testing. Allele origin: germline. Affected: yes. Study: VKGL Data-share Consensus. Not counted in ClinVar's aggregate classification.

Genetic Services Laboratory, University of Chicago
Classification: Likely benign for AllHighlyPenetrant. Review status: no assertion criteria provided. Collection method: clinical testing. Allele origin: germline. Inheritance: Autosomal dominant inheritance. Not counted in ClinVar's aggregate classification.
Comment: Likely benign based on allele frequency in 1000 Genomes Project or ESP global frequency and its presence in a patient with a rare or unrelated disease phenotype. NOT Sanger confirmed.

Genome Diagnostics Laboratory, University Medical Center Utrecht
Classification: Benign. Review status: no assertion criteria provided. Collection method: clinical testing. Allele origin: germline. Affected: yes. Study: VKGL Data-share Consensus. Not counted in ClinVar's aggregate classification.

Laboratory of Diagnostic Genome Analysis, Leiden University Medical Center (LUMC)
Classification: Likely benign. Review status: no assertion criteria provided. Collection method: clinical testing. Allele origin: germline. Affected: yes. Study: VKGL Data-share Consensus. Not counted in ClinVar's aggregate classification.